The following is an entry in ClinVar:

NM_001844.5(COL2A1):c.1931del (p.Pro644fs)

Gene: COL2A1 (collagen type II alpha 1 chain; minus strand). Cytogenetic location: 12q13.11.
Variant type: Deletion.
Coding change: c.1931del on transcript NM_001844.5 (MANE Select); coding-DNA position 1931, one base deleted (C; older notation c.1931delC).
Protein change: p.Pro644fs; shifts the reading frame from proline 644.
Molecular consequence: frameshift variant.
Genome position (GRCh38, 1-based): chr12:47,984,097, G deleted on the plus strand (C on the coding strand, the reverse complement: COL2A1 is on the minus strand); the first of 5 consecutive G bases (chr12:47,984,097-47,984,101); deleting any one gives the same sequence. VCF-style (leftmost placement, unchanged base first): chr12-47984096-AG-A. GRCh37 (hg19) VCF-style: chr12-48377879-AG-A.
Other names: c.1724del, p.Pro575fs (NM_033150.3); short protein forms P575fs, P644fs.
Identifiers: ClinVar variation 3253180 (VCV003253180.2), dbSNP rs2540141594.

ClinVar aggregate classification (germline): Pathogenic. Review status: criteria provided, multiple submitters, no conflicts (2 of 4 stars). 2 submissions from 2 submitters: Pathogenic (2). Last evaluated 2026-02-16.

Conditions:
Stickler syndrome. Identifiers: Orphanet 828, MedGen C0265253, MONDO:0019354.

Submissions (2):

Cambridge Genomics Laboratory, East Genomic Laboratory Hub, NHS Genomic Medicine Service
Classification: Pathogenic for Stickler syndrome. Last evaluated: 2026-02-16. Review status: criteria provided, single submitter. Criteria: ACGS Best Practice Guidelines for Variant Classification in Rare Disease 2020. Collection method: clinical testing. Allele origin: germline. Affected: yes.
Comment: PVS1,PM2

GeneDx
Classification: Pathogenic. Last evaluated: 2023-12-05. Review status: criteria provided, single submitter. Criteria: GeneDx Variant Classification Process June 2021. Collection method: clinical testing. Allele origin: germline. Affected: yes.
Comment: Frameshift variant predicted to result in protein truncation or nonsense mediated decay in a gene for which loss of function is a known mechanism of disease; Not observed at significant frequency in large population cohorts (gnomAD); This variant is associated with the following publications: (PMID: 15895462)